The following is an entry in ClinVar:

NM_000540.3(RYR1):c.2713T>G (p.Cys905Gly)

Gene: RYR1 (ryanodine receptor 1; plus strand). Cytogenetic location: 19q13.2.
Variant type: single nucleotide variant.
Coding change: c.2713T>G on transcript NM_000540.3 (MANE Select); coding-DNA position 2713, T replaced by G.
Protein change: p.Cys905Gly; replaces cysteine 905 with glycine.
Molecular consequence: missense variant.
Genome position (GRCh38, 1-based): chr19:38,463,777, T>G. VCF-style: chr19-38463777-T-G. GRCh37 (hg19) VCF-style: chr19-38954417-T-G.
Other names: c.2713T>G, p.Cys905Gly (NM_001042723.2); short protein forms C905G.
Identifiers: ClinVar variation 3073873 (VCV003073873.1), dbSNP rs772790358, ClinGen allele CA063892.

ClinVar aggregate classification (germline): Uncertain significance (1 of 4 stars; one submission).

Conditions:
Malignant hyperthermia, susceptibility to, 1 (MHS1). Also called: Anesthesia related hyperthermia; Malignant hyperpyrexia; Fulminating hyperpyrexia; Pharmacogenic myopathy; RYR1-Related Malignant Hyperthermia Susceptibility; Malignant hyperthermia suceptibility 1. Identifiers: Orphanet 423, MedGen C2930980, MONDO:0007783, OMIM 145600.

Allele frequency attached by ClinVar (database versions not stated): ExAC 0.00005; gnomAD exomes below 0.00001; TOPMed below 0.00001; gnomAD 0.00001.

Submission:

All of Us Research Program, National Institutes of Health
Classification: Uncertain significance for Malignant hyperthermia, susceptibility to, 1. Last evaluated: 2023-11-30. Review status: criteria provided, single submitter. Criteria: ACMG Guidelines, 2015. Collection method: clinical testing. Allele origin: germline. Inheritance: Autosomal dominant inheritance. Observed: 1 variant allele, 1 heterozygote.
Comment: This study involves interpretation of variants in research participants for the purpose of population health screening. Participant phenotype was not available at the time of variant classification. Additional details can be found in publication PMID: 35346344, PMCID: PMC8962531